The following is an entry in ClinVar:

ClinVar aggregate classification (germline): Uncertain significance (1 of 4 stars; one submission).

Conditions:
LAMA2-related muscular dystrophy (LAMA2-RD). Also called: Laminin alpha 2-related dystrophy. Identifiers: MedGen C5679788, MONDO:0100228.

Submission:

Labcorp Genetics (formerly Invitae), Labcorp
Classification: Uncertain significance for LAMA2-related muscular dystrophy. Last evaluated: 2022-05-12. Review status: criteria provided, single submitter. Criteria: Invitae Variant Classification Sherloc (09022015). Collection method: clinical testing. Allele origin: germline.
Comment: In summary, the available evidence is currently insufficient to determine the role of this variant in disease. Therefore, it has been classified as a Variant of Uncertain Significance. Advanced modeling of protein sequence and biophysical properties (such as structural, functional, and spatial information, amino acid conservation, physicochemical variation, residue mobility, and thermodynamic stability) performed at Invitae indicates that this missense variant is not expected to disrupt LAMA2 protein function. This variant has not been reported in the literature in individuals affected with LAMA2-related conditions. This variant is not present in population databases (gnomAD no frequency). This sequence change replaces valine, which is neutral and non-polar, with leucine, which is neutral and non-polar, at codon 171 of the LAMA2 protein (p.Val171Leu).

NM_000426.4(LAMA2):c.511G>T (p.Val171Leu)

Gene: LAMA2 (laminin subunit alpha 2; plus strand). Cytogenetic location: 6q22.33.
Variant type: single nucleotide variant.
Coding change: c.511G>T on transcript NM_000426.4 (MANE Select); coding-DNA position 511, G replaced by T.
Protein change: p.Val171Leu; replaces valine 171 with leucine.
Molecular consequence: missense variant.
Genome position (GRCh38, 1-based): chr6:129,098,287, G>T. VCF-style: chr6-129098287-G-T. GRCh37 (hg19) VCF-style: chr6-129419432-G-T.
Other names: c.511G>T, p.Val171Leu (NM_001079823.2); short protein forms V171L.
Identifiers: ClinVar variation 2112841 (VCV002112841.4), dbSNP rs2482427974, ClinGen allele CA365829283.